The following is an entry in ClinVar:

NM_012318.3(LETM1):c.696C>T (p.Phe232=)

Gene: LETM1 (leucine zipper and EF-hand containing transmembrane protein 1; minus strand). Cytogenetic location: 4p16.3.
Variant type: single nucleotide variant.
Coding change: c.696C>T on transcript NM_012318.3 (MANE Select); coding-DNA position 696, C replaced by T.
Protein change: p.Phe232=; no amino-acid change (phenylalanine 232 retained).
Molecular consequence: synonymous variant.
Genome position (GRCh38, 1-based): chr4:1,836,471, G>A on the plus strand (C>T on the coding strand, the complement: LETM1 is on the minus strand). VCF-style: chr4-1836471-G-A. GRCh37 (hg19) VCF-style: chr4-1838198-G-A.
Identifiers: ClinVar variation 730675 (VCV000730675.9), dbSNP rs149669402, ClinGen allele CA2811564.

ClinVar aggregate classification (germline): Benign/Likely benign. Review status: criteria provided, multiple submitters, no conflicts (2 of 4 stars). 2 submissions from 2 submitters: Benign (1); Likely benign (1). Last evaluated 2025-12-30.

Conditions:
LETM1-related disorder. Also called: LETM1-related condition.

Allele frequency attached by ClinVar (database versions not stated): gnomAD exomes 0.00006 and 0.00016; ExAC 0.00018; ESP Exome Variant Server 0.00046; gnomAD 0.00062 and 0.00066; TOPMed 0.00082; 1000 Genomes Project 30x 0.00094; 1000 Genomes Project 0.00100.

Submissions (2):

PreventionGenetics, part of Exact Sciences
Classification: Likely benign for LETM1-related condition. Last evaluated: 2025-12-30. Review status: criteria provided, single submitter. Criteria: ACMG Guidelines, 2015. Collection method: clinical testing. Allele origin: germline.
Comment: This variant is classified as likely benign based on ACMG/AMP sequence variant interpretation guidelines (Richards et al. 2015 PMID: 25741868, with internal and published modifications).

Labcorp Genetics (formerly Invitae), Labcorp
Classification: Benign. Last evaluated: 2025-07-23. Review status: criteria provided, single submitter. Criteria: Invitae Variant Classification Sherloc (09022015). Collection method: clinical testing. Allele origin: germline.